The following is an entry in ClinVar:

NM_001039845.3(MDH1B):c.1233G>A (p.Pro411=)

Gene: MDH1B (malate dehydrogenase 1B; minus strand). Cytogenetic location: 2q33.3.
Variant type: single nucleotide variant.
Coding change: c.1233G>A on transcript NM_001039845.3 (MANE Select); coding-DNA position 1233, G replaced by A.
Protein change: p.Pro411=; no amino-acid change (proline 411 retained).
Molecular consequence: synonymous variant. On other transcripts: non-coding transcript variant (3).
Genome position (GRCh38, 1-based): chr2:206,746,410, C>T on the plus strand (G>A on the coding strand, the complement: MDH1B is on the minus strand). VCF-style: chr2-206746410-C-T. GRCh37 (hg19) VCF-style: chr2-207611134-C-T.
Other names: c.1233G>A, p.Pro411= (NM_001282940.2); c.939G>A, p.Pro313= (NM_001330223.2, NM_001330226.2); c.759G>A, p.Pro253= (NM_001330224.2, NM_001330225.2).
Identifiers: ClinVar variation 2651844 (VCV002651844.24), dbSNP rs748258596, ClinGen allele CA2074437.
Genomic context (GRCh38, chr2:206,746,410, plus strand): 5'-TGTAAGAACCACCCAAGTTCCATTCTCAAATTTCACAGGCATAGAAAAGACGATCCCTTT[C>T]GGAATACCAAACTGGCCTGCAGTGAGCAAACACAAAGCAAAGCAATGCAGCAGAACTTAG-3'
Protein context (NP_001034934.1, residues 401-421): GILSEGQFGI[Pro411=]KGIVFSMPVK

ClinVar aggregate classification (germline): Likely benign (1 of 4 stars; one submission).

Allele frequency attached by ClinVar (database versions not stated): ExAC 0.00002; gnomAD 0.00003; TOPMed 0.00004.

Submission:

CeGaT Center for Human Genetics Tuebingen
Classification: Likely benign. Last evaluated: 2022-12-01. Review status: criteria provided, single submitter. Criteria: CeGaT Center For Human Genetics Tuebingen Variant Classification Criteria Version 2. Collection method: clinical testing. Allele origin: germline. Affected: yes. Observed: 1 variant allele.
Comment: MDH1B: BP4, BP7